The following is an entry in ClinVar:

ClinVar aggregate classification (germline): Benign/Likely benign. Review status: criteria provided, multiple submitters, no conflicts (2 of 4 stars). 10 submissions from 10 submitters: Benign (3); Likely benign (7). Last evaluated 2026-06-01.

Conditions:
Lymphangiomyomatosis (LAM). Also called: Lymphangioleiomyomatosis, somatic; Lymphangioleiomyomatosis. Identifiers: Orphanet 538, MedGen C0751674, MONDO:0011705, OMIM 606690.
Isolated focal cortical dysplasia type II (FCORD2). Also called: CORTICAL DYSPLASIA OF TAYLOR; Focal cortical dysplasia type II. Identifiers: Orphanet 268994, MedGen C1846385, MONDO:0011818, OMIM 607341, HP:0032051.
Tuberous sclerosis 2 (TSC2). Identifiers: Orphanet 805, MedGen C1860707, MONDO:0013199, OMIM 613254.
Hereditary cancer-predisposing syndrome. Also called: Tumor predisposition; Hereditary neoplastic syndrome; Hereditary Cancer Syndrome; Neoplastic Syndromes, Hereditary. Identifiers: Orphanet 140162, MedGen C0027672, MeSH D009386, MONDO:0015356.
Tuberous sclerosis syndrome (TSC). Also called: Tuberous Sclerosis Complex; Tuberous sclerosis. Identifiers: Orphanet 805, MedGen C0041341, MONDO:0001734.

Allele frequency attached by ClinVar (database versions not stated): TOPMed 0.00001; ExAC 0.00002; gnomAD exomes 0.00002.
gnomAD v4.1: 26 of 1,610,874 alleles (0.0016%); highest among the groups gnomAD compares: East Asian, 0.0045%; no homozygotes.

Submissions (10):

CeGaT Center for Human Genetics Tuebingen
Classification: Likely benign. Last evaluated: 2026-06-01. Review status: criteria provided, single submitter. Criteria: CeGaT Center For Human Genetics Tuebingen Variant Classification Criteria Version 2. Collection method: clinical testing. Allele origin: germline. Affected: yes. Observed: 3 variant alleles.
Comment: TSC2: BP4, BP7

Labcorp Genetics (formerly Invitae), Labcorp
Classification: Benign for Tuberous sclerosis 2. Last evaluated: 2025-12-17. Review status: criteria provided, single submitter. Criteria: Invitae Variant Classification Sherloc (09022015). Collection method: clinical testing. Allele origin: germline.

Myriad Genetics, Inc.
Classification: Benign for Tuberous sclerosis 2. Last evaluated: 2025-06-02. Review status: criteria provided, single submitter. Criteria: Myriad Autosomal Dominant, Autosomal Recessive and X-Linked Classification Criteria (2023). Collection method: clinical testing. Allele origin: unknown.
Comment: This variant is considered benign. This variant is a silent/synonymous amino acid change and it is not expected to impact splicing.

Color Diagnostics, LLC DBA Color Health
Classification: Likely benign for Tuberous sclerosis syndrome. Last evaluated: 2022-10-05. Review status: criteria provided, single submitter. Criteria: ACMG Guidelines, 2015. Collection method: clinical testing. Allele origin: germline.

Genome-Nilou Lab
Classification: Benign for Tuberous sclerosis 2. Last evaluated: 2021-11-07. Review status: criteria provided, single submitter. Criteria: ACMG Guidelines, 2015. Collection method: clinical testing. Allele origin: germline. Affected: no.

Fulgent Genetics
Classification: Likely benign for Lymphangiomyomatosis; Isolated focal cortical dysplasia type II; Tuberous sclerosis 2. Last evaluated: 2021-08-26. Review status: criteria provided, single submitter. Criteria: ACMG Guidelines, 2015. Collection method: clinical testing. Allele origin: unknown.

Sema4
Classification: Likely benign for Hereditary cancer-predisposing syndrome. Last evaluated: 2021-07-14. Review status: criteria provided, single submitter. Criteria: Sema4 Curation Guidelines. Collection method: curation. Allele origin: germline.

Ambry Genetics
Classification: Likely benign for Hereditary cancer-predisposing syndrome. Last evaluated: 2018-04-11. Review status: criteria provided, single submitter. Criteria: Ambry Variant Classification Scheme 2023. Collection method: clinical testing. Allele origin: germline.

GeneDx
Classification: Likely benign. Last evaluated: 2018-04-04. Review status: criteria provided, single submitter. Criteria: GeneDx Variant Classification Process June 2021. Collection method: clinical testing. Allele origin: germline. Affected: yes.

Breakthrough Genomics
Classification: Likely benign. Review status: criteria provided, single submitter. Criteria: ACMG Guidelines, 2015. Collection method: not provided. Allele origin: germline. Inheritance: Autosomal dominant inheritance. Affected: yes.

NM_000548.5(TSC2):c.3957C>T (p.Asp1319=)

Gene: TSC2 (TSC complex subunit 2; plus strand). Cytogenetic location: 16p13.3.
Variant type: single nucleotide variant.
Coding change: c.3957C>T on transcript NM_000548.5 (MANE Select); coding-DNA position 3957, C replaced by T.
Protein change: p.Asp1319=; no amino-acid change (aspartic acid 1319 retained).
Molecular consequence: synonymous variant.
Genome position (GRCh38, 1-based): chr16:2,083,768, C>T. VCF-style: chr16-2083768-C-T. GRCh37 (hg19) VCF-style: chr16-2133769-C-T.
Other names: c.3756C>T, p.Asp1252= (NM_001077183.3); c.3888C>T, p.Asp1296= (NM_001114382.3); c.3648C>T, p.Asp1216= (NM_001318827.2); c.3612C>T, p.Asp1204= (NM_001318829.2); c.3225C>T, p.Asp1075= (NM_001318831.2); c.3789C>T, p.Asp1263= (NM_001318832.2); c.3759C>T, p.Asp1253= (NM_001363528.2); c.3825C>T, p.Asp1275= (NM_001370404.1); and 1 more.
Identifiers: ClinVar variation 413679 (VCV000413679.59), dbSNP rs757244510, ClinGen allele CA049756.
Genomic context (GRCh38, chr16:2,083,768, plus strand): 5'-CATGGAGGAGGGAAGTCCGGGCGAGGTTCCTGTGCTGGTGGAGCCCCCAGGGTTGGAGGA[C>T]GTTGAGGCAGCGCTAGGCATGGACAGGCGCACGGATGCCTACAGCAGGGTGAGTGTGGCT-3'
Protein context (NP_000539.2, residues 1309-1329): PVLVEPPGLE[Asp1319=]VEAALGMDRR